The following is an entry in ClinVar:

NM_006565.4(CTCF):c.788AGA[1] (p.Lys264del)

Gene: CTCF (CCCTC-binding factor; plus strand). Cytogenetic location: 16q22.1.
Variant type: Microsatellite.
Coding change: c.788AGA[1] on transcript NM_006565.4 (MANE Select); one copy of the 3-base unit AGA starting at c.788; the reference has two copies in a row; one copy, 3 bases deleted.
Protein change: p.Lys264del; deletes lysine 264.
Molecular consequence: inframe deletion. On other transcripts: intron variant (1), inframe indel (1).
Genome position (GRCh38, 1-based): chr16:67,611,960-67,611,962, AGA deleted; deleting any 3 consecutive bases within chr16:67,611,956-67,611,962 gives the same sequence; the position shown is the placement nearest the transcript's 3' end. VCF-style (leftmost placement, unchanged base first): chr16-67611955-AAAG-A. GRCh37 (hg19) VCF-style: chr16-67645858-AAAG-A.
Other names: c.-32-4785_-32-4783del (NM_001191022.2); c.788_790AGA[1], p.Lys264del (NM_001363916.2); short protein forms K264del.
Identifiers: ClinVar variation 4056853 (VCV004056853.1).

ClinVar aggregate classification (germline): Uncertain significance (1 of 4 stars; one submission).

Submission:

GeneDx
Classification: Uncertain significance. Last evaluated: 2025-01-08. Review status: criteria provided, single submitter. Criteria: GeneDx Variant Classification Process June 2021. Collection method: clinical testing. Allele origin: germline. Affected: yes.
Comment: In-frame deletion of 1 amino acid(s) in a non-repeat region; In silico analysis supports a deleterious effect on protein structure/function; Has not been previously published as pathogenic or benign to our knowledge